The following is an entry in ClinVar:

ClinVar aggregate classification (germline): Conflicting classifications of pathogenicity. Review status: criteria provided, conflicting classifications (1 of 4 stars). 4 submissions from 4 submitters: Uncertain significance (1); Benign (1); Likely benign (2). Last evaluated 2025-08-26.

Conditions:
Cardiac arrhythmia. Also called: Cardiac rhythm disease; Arrhythmia. Identifiers: MedGen C0003811, MONDO:0007263, HP:0011675.
Long QT syndrome (LQTS). Identifiers: MedGen C0023976, MeSH D008133, MONDO:0002442. Disease mechanism: loss of function. Inheritance: Various modes of inheritance.
Cardiovascular phenotype. Identifiers: MedGen CN230736.

Allele frequency attached by ClinVar (database versions not stated): gnomAD exomes 0.00002; ESP Exome Variant Server 0.00015; ExAC 0.00002; gnomAD 0.00004; TOPMed 0.00004.
gnomAD v4.1: 12 of 1,613,306 alleles (0.00074%); highest among the groups gnomAD compares: African/African-American, 0.016%; no homozygotes.

Submissions (4):

Labcorp Genetics (formerly Invitae), Labcorp
Classification: Benign for Long QT syndrome. Last evaluated: 2025-08-26. Review status: criteria provided, single submitter. Criteria: Invitae Variant Classification Sherloc (09022015). Collection method: clinical testing. Allele origin: germline.

Color Diagnostics, LLC DBA Color Health
Classification: Likely benign for Cardiac arrhythmia. Last evaluated: 2025-08-25. Review status: criteria provided, single submitter. Criteria: ACMG Guidelines, 2015. Collection method: clinical testing. Allele origin: germline.

Ambry Genetics
Classification: Likely benign for Cardiovascular phenotype. Last evaluated: 2023-12-07. Review status: criteria provided, single submitter. Criteria: Ambry Variant Classification Scheme 2023. Collection method: clinical testing. Allele origin: germline.

All of Us Research Program, National Institutes of Health
Classification: Uncertain significance for Long QT syndrome. Last evaluated: 2023-05-16. Review status: criteria provided, single submitter. Criteria: ACMG Guidelines, 2015. Collection method: clinical testing. Allele origin: germline. Inheritance: Autosomal dominant inheritance. Observed: 4 variant alleles, 4 heterozygotes.
Comment: This missense variant replaces glutamic acid with lysine at codon 449 of the KCNQ1 protein. Computational prediction is inconclusive regarding the impact of this variant on protein structure and function (internally defined REVEL score threshold 0.5 < inconclusive < 0.7, PMID: 27666373). A functional study in transfected CHO cells has shown that this variant may not impact KCNQ1 protein function (PMID: 34930020). This variant has been reported in an individual affected with mild syncope (PMID: 34930020). This variant has been identified in 7/281818 chromosomes in the general population by the Genome Aggregation Database (gnomAD). The available evidence is insufficient to determine the role of this variant in disease conclusively. Therefore, this variant is classified as a Variant of Uncertain Significance.

This study involves interpretation of variants in research participants for the purpose of population health screening. Participant phenotype was not available at the time of variant classification. Additional details can be found in publication PMID: 35346344, PMCID: PMC8962531

Literature cited by the submitters: PubMed 34930020 (cited by All of Us Research Program, National Institutes of Health).

NM_000218.3(KCNQ1):c.1345G>A (p.Glu449Lys)

Gene: KCNQ1 (potassium voltage-gated channel subfamily Q member 1; plus strand). Cytogenetic location: 11p15.5.
Variant type: single nucleotide variant.
Coding change: c.1345G>A on transcript NM_000218.3 (MANE Select); coding-DNA position 1345, G replaced by A.
Protein change: p.Glu449Lys; replaces glutamic acid 449 with lysine.
Molecular consequence: missense variant.
Genome position (GRCh38, 1-based): chr11:2,588,806, G>A. VCF-style: chr11-2588806-G-A. GRCh37 (hg19) VCF-style: chr11-2610036-G-A.
Other names: c.1249G>A, p.Glu417Lys (NM_001406836.1); c.1075G>A, p.Glu359Lys (NM_001406837.1); c.805G>A, p.Glu269Lys (NM_001406838.1); c.964G>A, p.Glu322Lys (NM_181798.2); short protein forms E449K, E322K, E269K, E417K, E359K.
Identifiers: ClinVar variation 924512 (VCV000924512.19), dbSNP rs372583676, ClinGen allele CA028825.